The following is an entry in ClinVar:

NM_001378452.1(ITPR1):c.2683A>G (p.Ile895Val)

Gene: ITPR1 (inositol 1,4,5-trisphosphate receptor type 1; plus strand). Cytogenetic location: 3p26.1.
Variant type: single nucleotide variant.
Coding change: c.2683A>G on transcript NM_001378452.1 (MANE Select); coding-DNA position 2683, A replaced by G.
Protein change: p.Ile895Val; replaces isoleucine 895 with valine.
Molecular consequence: missense variant.
Genome position (GRCh38, 1-based): chr3:4,675,152, A>G. VCF-style: chr3-4675152-A-G. GRCh37 (hg19) VCF-style: chr3-4716836-A-G.
Other names: c.2683A>G, p.Ile895Val (NM_001099952.4); c.2638A>G, p.Ile880Val (NM_001168272.2, NM_002222.7); short protein forms I880V, I895V.
Identifiers: ClinVar variation 586044 (VCV000586044.9), dbSNP rs750473506, ClinGen allele CA2231480.

ClinVar aggregate classification (germline): Conflicting classifications of pathogenicity. Review status: criteria provided, conflicting classifications (1 of 4 stars). 4 submissions from 4 submitters: Likely pathogenic (1); Uncertain significance (3). Last evaluated 2024-10-28.

Conditions:
Spastic ataxia. Identifiers: Orphanet 316226, MedGen C1849156, MONDO:0017845, HP:0002497.

Allele frequency attached by ClinVar (database versions not stated): gnomAD exomes below 0.00001 and 0.00001; ExAC 0.00001.
gnomAD v4.1: 3 of 1,610,382 alleles (0.00019%); highest among the groups gnomAD compares: Non-Finnish European, 0.00025%; no homozygotes.

Submissions (4):

Labcorp Genetics (formerly Invitae), Labcorp
Classification: Uncertain significance. Last evaluated: 2024-10-28. Review status: criteria provided, single submitter. Criteria: Invitae Variant Classification Sherloc (09022015). Collection method: clinical testing. Allele origin: germline.
Comment: This sequence change replaces isoleucine, which is neutral and non-polar, with valine, which is neutral and non-polar, at codon 880 of the ITPR1 protein (p.Ile880Val). This variant is present in population databases (rs750473506, gnomAD 0.0009%). This missense change has been observed in individual(s) with congenital ataxia (PMID: 34445196). ClinVar contains an entry for this variant (Variation ID: 586044). Invitae Evidence Modeling of protein sequence and biophysical properties (such as structural, functional, and spatial information, amino acid conservation, physicochemical variation, residue mobility, and thermodynamic stability) indicates that this missense variant is expected to disrupt ITPR1 protein function with a positive predictive value of 80%. In summary, the available evidence is currently insufficient to determine the role of this variant in disease. Therefore, it has been classified as a Variant of Uncertain Significance.

Molecular Medicine for Neurodegenerative and Neuromuscular Diseases Unit, IRCCS Fondazione Stella Maris
Classification: Likely pathogenic for Spastic ataxia. Last evaluated: 2021-07-12. Review status: criteria provided, single submitter. Criteria: ACMG Guidelines, 2015. Collection method: research. Allele origin: unknown. Affected: yes.

GeneDx
Classification: Uncertain significance. Last evaluated: 2019-09-27. Review status: criteria provided, single submitter. Criteria: GeneDx Variant Classification Process June 2021. Collection method: clinical testing. Allele origin: germline. Affected: yes.
Comment: In silico analysis, which includes protein predictors and evolutionary conservation, supports that this variant does not alter protein structure/function; Has not been previously published as pathogenic or benign to our knowledge

Athena Diagnostics
Classification: Uncertain significance. Last evaluated: 2018-08-22. Review status: criteria provided, single submitter. Criteria: Athena Diagnostics Criteria. Collection method: clinical testing. Allele origin: germline.

Literature cited by the submitters: PubMed 34445196 (cited by Labcorp Genetics (formerly Invitae), Labcorp).